The following is an entry in ClinVar:

ClinVar aggregate classification (germline): Uncertain significance. Review status: criteria provided, multiple submitters, no conflicts (2 of 4 stars). 3 submissions from 3 submitters: Uncertain significance (3). Last evaluated 2025-07-08.

Conditions:
Gorlin syndrome. Also called: Nevoid Basal Cell Carcinoma Syndrome; Basal cell nevus syndrome. Identifiers: Orphanet 377, MedGen C0004779, MONDO:0007187.
Medulloblastoma (MDB). Also called: Medulloblastoma, somatic; MEDULLOBLASTOMA PREDISPOSITION SYNDROME. Identifiers: Orphanet 616, MedGen C0025149, MeSH D008527, MONDO:0007959, OMIM 155255, HP:0002885.
Hereditary cancer-predisposing syndrome. Also called: Neoplastic Syndromes, Hereditary; Hereditary neoplastic syndrome; Tumor predisposition; Hereditary Cancer Syndrome. Identifiers: Orphanet 140162, MedGen C0027672, MeSH D009386, MONDO:0015356.

Allele frequency attached by ClinVar (database versions not stated): gnomAD exomes below 0.00001.
gnomAD v4.1: 2 of 1,613,918 alleles (0.00012%); highest among the groups gnomAD compares: East Asian, 0.0045%; no homozygotes.

Submissions (3):

Labcorp Genetics (formerly Invitae), Labcorp
Classification: Uncertain significance for Gorlin syndrome; Medulloblastoma. Last evaluated: 2025-07-08. Review status: criteria provided, single submitter. Criteria: Invitae Variant Classification Sherloc (09022015). Collection method: clinical testing. Allele origin: germline.
Comment: This sequence change replaces serine, which is neutral and polar, with glycine, which is neutral and non-polar, at codon 290 of the SUFU protein (p.Ser290Gly). This variant is not present in population databases (gnomAD no frequency). This variant has not been reported in the literature in individuals affected with SUFU-related conditions. ClinVar contains an entry for this variant (Variation ID: 659925). Invitae Evidence Modeling of protein sequence and biophysical properties (such as structural, functional, and spatial information, amino acid conservation, physicochemical variation, residue mobility, and thermodynamic stability) indicates that this missense variant is not expected to disrupt SUFU protein function with a negative predictive value of 80%. In summary, the available evidence is currently insufficient to determine the role of this variant in disease. Therefore, it has been classified as a Variant of Uncertain Significance.

Ambry Genetics
Classification: Uncertain significance for Hereditary cancer-predisposing syndrome. Last evaluated: 2025-06-12. Review status: criteria provided, single submitter. Criteria: Ambry Variant Classification Scheme 2023. Collection method: clinical testing. Allele origin: germline.
Comment: The p.S290G variant (also known as c.868A>G), located in coding exon 7 of the SUFU gene, results from an A to G substitution at nucleotide position 868. The serine at codon 290 is replaced by glycine, an amino acid with similar properties. This alteration was identified in an individual with anemia, epiphyseal brush-like changes, reduced bone density, tooth dysplasia, skin pigmentation and thin subcutaneous fat (Yu C et al. Front Endocrinol (Lausanne), 2021 Sep;12:711991). This amino acid position is highly conserved in available vertebrate species. In addition, the in silico prediction for this alteration is inconclusive. Based on the available evidence, the clinical significance of this variant remains unclear.

Sema4
Classification: Uncertain significance for Hereditary cancer-predisposing syndrome. Last evaluated: 2021-08-17. Review status: criteria provided, single submitter. Criteria: Sema4 Curation Guidelines. Collection method: curation. Allele origin: germline.
Comment: The SUFU c.868A>G (p.S290G) variant has not been reported in the literature to our knowledge. This variant is not reported in the population database Genome Aggregation Database (PMID: 32461654). The variant has been reported in ClinVar (Variation ID 659925). Functional studies have not been performed, and in silico predictions of the variant's effect on protein function are inconclusive. The evidence is insufficient to meet ACMG/AMP criteria for classifying the variant as benign or pathogenic. Thus, the clinical significance of this variant is currently uncertain.

Literature cited by the submitters: PubMed 34589056 (cited by Ambry Genetics).

NM_016169.4(SUFU):c.868A>G (p.Ser290Gly)

Gene: SUFU (SUFU negative regulator of hedgehog signaling; plus strand). Cytogenetic location: 10q24.32.
Variant type: single nucleotide variant.
Coding change: c.868A>G on transcript NM_016169.4 (MANE Select); coding-DNA position 868, A replaced by G.
Protein change: p.Ser290Gly; replaces serine 290 with glycine.
Molecular consequence: missense variant.
Genome position (GRCh38, 1-based): chr10:102,597,251, A>G. VCF-style: chr10-102597251-A-G. GRCh37 (hg19) VCF-style: chr10-104357008-A-G.
Other names: c.868A>G, p.Ser290Gly (NM_001178133.2); short protein forms S290G.
Identifiers: ClinVar variation 659925 (VCV000659925.14), dbSNP rs1406131774, ClinGen allele CA377910723.
Genomic context (GRCh38, chr10:102,597,251, plus strand): 5'-AGTGCCAAGTGTGCCTGGGATGACCTGAGCCGGCCCCCCGAGGATGACGAGGACAGCCGG[A>G]GCATCTGCATCGGCACACAGCCCCGGCGACTCTCTGGCAAAGGTGGGAGCCATCACTCAG-3'
Protein context (NP_057253.2, residues 280-300): RPPEDDEDSR[Ser290Gly]ICIGTQPRRL